The following is an entry in ClinVar:

NM_000548.5(TSC2):c.322A>G (p.Ile108Val)

Gene: TSC2 (TSC complex subunit 2; plus strand). Cytogenetic location: 16p13.3.
Variant type: single nucleotide variant.
Coding change: c.322A>G on transcript NM_000548.5 (MANE Select); coding-DNA position 322, A replaced by G.
Protein change: p.Ile108Val; replaces isoleucine 108 with valine.
Molecular consequence: missense variant. On other transcripts: intron variant (2).
Genome position (GRCh38, 1-based): chr16:2,053,438, A>G. VCF-style: chr16-2053438-A-G. GRCh37 (hg19) VCF-style: chr16-2103439-A-G.
Other names: c.322A>G, p.Ile108Val (NM_001077183.3, NM_001114382.3, NM_001363528.2 and 3 more transcripts); c.175A>G, p.Ile59Val (NM_001318829.2); c.355A>G, p.Ile119Val (NM_001318832.2); c.226-858A>G (NM_001318827.2); c.-1-2758A>G (NM_001318831.2); short protein forms I108V, I119V, I59V.
Identifiers: ClinVar variation 467996 (VCV000467996.9), dbSNP rs955754399, ClinGen allele CA276771132.

ClinVar aggregate classification (germline): Uncertain significance. Review status: criteria provided, multiple submitters, no conflicts (2 of 4 stars). 2 submissions from 2 submitters: Uncertain significance (2). Last evaluated 2026-07-06.

Conditions:
Hereditary cancer-predisposing syndrome. Also called: Neoplastic Syndromes, Hereditary; Hereditary neoplastic syndrome; Hereditary Cancer Syndrome; Tumor predisposition. Identifiers: Orphanet 140162, MedGen C0027672, MeSH D009386, MONDO:0015356.
Tuberous sclerosis 2 (TSC2). Identifiers: Orphanet 805, MedGen C1860707, MONDO:0013199, OMIM 613254.

Submissions (2):

Ambry Genetics
Classification: Uncertain significance for Hereditary cancer-predisposing syndrome. Last evaluated: 2026-07-06. Review status: criteria provided, single submitter. Criteria: Ambry Variant Classification Scheme 2023. Collection method: clinical testing. Allele origin: germline.
Comment: The p.I108V variant (also known as c.322A>G), located in coding exon 3 of the TSC2 gene, results from an A to G substitution at nucleotide position 322. The isoleucine at codon 108 is replaced by valine, an amino acid with highly similar properties. This amino acid position is conserved. In addition, the in silico prediction for this alteration is inconclusive. Based on the available evidence, the clinical significance of this variant remains unclear.

Labcorp Genetics (formerly Invitae), Labcorp
Classification: Uncertain significance for Tuberous sclerosis 2. Last evaluated: 2025-01-27. Review status: criteria provided, single submitter. Criteria: Invitae Variant Classification Sherloc (09022015). Collection method: clinical testing. Allele origin: germline.
Comment: This sequence change replaces isoleucine, which is neutral and non-polar, with valine, which is neutral and non-polar, at codon 108 of the TSC2 protein (p.Ile108Val). This variant is not present in population databases (gnomAD no frequency). This variant has not been reported in the literature in individuals affected with TSC2-related conditions. ClinVar contains an entry for this variant (Variation ID: 467996). Invitae Evidence Modeling of protein sequence and biophysical properties (such as structural, functional, and spatial information, amino acid conservation, physicochemical variation, residue mobility, and thermodynamic stability) indicates that this missense variant is not expected to disrupt TSC2 protein function with a negative predictive value of 95%. In summary, the available evidence is currently insufficient to determine the role of this variant in disease. Therefore, it has been classified as a Variant of Uncertain Significance.